The following continues an entry in ClinVar:

NM_004646.4(NPHS1):c.3478C>T (p.Arg1160Ter)

Gene: NPHS1. ClinVar aggregate classification (germline): Pathogenic. Pathogenic (19).

Submissions 12 to 26 of 26:

Illumina Laboratory Services, Illumina
Classification: Pathogenic for Finnish congenital nephrotic syndrome. Last evaluated: 2021-08-10. Review status: criteria provided, single submitter. Criteria: ICSLVariantClassificationCriteria RUGD 01 April 2020. Collection method: clinical testing. Allele origin: unknown.
Comment: The NPHS1 c.3478C>T (p.Arg1160Ter) variant is a stop-gained variant that is predicted to result in an absent or truncated protein product. Across a selection of the available literature, this variant has been identified in a homozygous state in 25 individuals with congenital nephrotic syndrome and in a presumed homozygous state in four additional cases (Koziell et al. 2002; Ovunc et al. 2012; Lenkkeri et al. 2013; Lovric et al. 2014; Cil et al. 2015; Amr et al. 2020; Wong et al. 2021). It has been proposed as a founder variant in Malta and has also been reported in a presumed compound heterozygous state with another stop-gained variant in one individual and in a confirmed compound heterozygous state with the p.Tyr977Cys variant in four affected siblings (Ovunc et al. 2012; Wang et al. 2017). Some individuals with this variant presented with slow disease progression. The p.Arg1160Ter variant is reported at a frequency of 0.000392 in the South Asian population of the Genome Aggregation Database (version 2.1.1). Functional studies conducted in HEK293 cells showed that the truncated protein resulting from this variant does not interact with podocin and failed to be recruited by podocin into lipid rafts at the plasma membrane (Huber et al. 2003). Based on the collective evidence, the p.Arg1160Ter variant is classified as pathogenic for congenital nephrotic syndrome.

Revvity Omics, Revvity
Classification: Pathogenic for Finnish congenital nephrotic syndrome. Last evaluated: 2020-03-23. Review status: criteria provided, single submitter. Criteria: ACMG Guidelines, 2015. Collection method: clinical testing. Allele origin: germline.

Athena Diagnostics
Classification: Pathogenic. Last evaluated: 2019-12-30. Review status: criteria provided, single submitter. Criteria: Athena Diagnostics Criteria. Collection method: clinical testing. Allele origin: unknown.
Comment: The variant creates a premature nonsense codon, and is therefore predicted to result in the loss of a functional protein. Found in at least one patient with expected phenotype for this gene, and found in general population data at a frequency that is consistent with pathogenicity.

Fulgent Genetics
Classification: Pathogenic for Finnish congenital nephrotic syndrome. Last evaluated: 2018-10-31. Review status: criteria provided, single submitter. Criteria: ACMG Guidelines, 2015. Collection method: clinical testing. Allele origin: unknown.

Broad Center for Mendelian Genomics, Broad Institute of MIT and Harvard
Classification: Pathogenic for Finnish congenital nephrotic syndrome. Last evaluated: 2017-06-25. Review status: criteria provided, single submitter. Criteria: ACMG Guidelines, 2015. Collection method: research. Allele origin: germline. Inheritance: Autosomal recessive inheritance. Affected: yes. Observed: 1 variant allele. Study: Broad Institute Center for Mendelian Genomics (CMG).
Comment: Previously reported pathogenic nonsense variant reported in 16 patients (PMID: 11854170) with additional cases reported in literature.

Women's Health and Genetics/Laboratory Corporation of America, LabCorp
Classification: Pathogenic for Finnish congenital nephrotic syndrome. Last evaluated: 2017-04-17. Review status: criteria provided, single submitter. Criteria: LabCorp Variant Classification Summary - May 2015. Collection method: clinical testing. Allele origin: germline.
Comment: Variant summary: The NPHS1 c.3478C>T (p.Arg1160X) variant results in a premature termination codon, predicted to cause a truncated or absent NPHS1 protein due to nonsense mediated decay, which are commonly known mechanisms for disease. Nonsense mutations nearby to this variant have been classified as pathogenic by our laboratory previously (e.g., c.3325C>T [p.Arg1109X]). One in silico tool predicts a damaging outcome for this variant. This variant was found in the large control database ExAC and in control cohorts in the literature at a frequency of 0.000074 (9/121544 control chromosomes), which does not exceed the estimated maximal expected allele frequency of a pathogenic NPHS1 variant (0.0033541). Numerous publications have found the variant among patient cohorts as a homozygous genotype. In particular, the variant appears to be a founder mutation in Maltese individuals, where a study showed that of 50 non-Finnish patients analyzed, 12 were homozygous for the variant, 9 of which were from Malta (Koziell_HMG_2002). Additionally, a functional study showed that the variant prevents recruitment of nephrin (the protein product of NPHS1) into the lipid raft at the plasma membrane, which is important for many cellular processes, such as polarized sorting of membrane proteins and signal transduction (Huber_HMG_2003). In addition, one reputable database has classified this variant as pathogenic, though the last evaluation was in 2002. Taken together, this variant is classified as pathogenic.

Centre for Mendelian Genomics, University Medical Centre Ljubljana
Classification: Pathogenic for Finnish congenital nephrotic syndrome. Last evaluated: 2016-01-01. Review status: criteria provided, single submitter. Criteria: ACMG Guidelines, 2015. Collection method: clinical testing. Allele origin: unknown. Affected: yes.
Comment: This variant was classified as: Pathogenic. The following ACMG criteria were applied in classifying this variant: PVS1,PS1.

CENTOGENE GmbH and LLC - Guiding Precision Medicine
Classification: Pathogenic for Finnish congenital nephrotic syndrome. Review status: criteria provided, single submitter. Criteria: ACMG Guidelines, 2015. Collection method: clinical testing. Allele origin: germline. Affected: yes.

Genetics laboratory, Institute of Kidney Diseases & Research Centre Dr. H.L. Trivedi Institute Of Transplantation Sciences
Classification: Pathogenic for Finnish congenital nephrotic syndrome. Last evaluated: 2024-04-24. Review status: no assertion criteria provided. Collection method: clinical testing. Allele origin: germline. Inheritance: Autosomal recessive inheritance. Affected: yes. Observed: 1 variant allele, 1 heterozygote. Not counted in ClinVar's aggregate classification.
Comment: A heterozygous nonsense variant c.3478C>T in exon 27 of NPHS1 gene (chr19:36321958; Depth: 41x) was detected. This variant creates a premature stop codon p.(Arg1160*) and may result in a null allele due to nonsense-mediated mRNA decay. This variant has been reported in the gnomAD browser with a very low allele frequency of 0.01%. This variant is considered to be pathogenic according to the ACMG guidelines.

Sydney Genome Diagnostics, Children's Hospital Westmead
Classification: Pathogenic for Nephrotic syndrome. Last evaluated: 2019-05-10. Review status: no assertion criteria provided. Collection method: clinical testing. Allele origin: unknown. Affected: yes. Observed: 1 variant allele, 1 compound heterozygote. Not counted in ClinVar's aggregate classification.
Comment: This variant creates a premature stop codon p.(Arg1160*) and may result in a null allele due to nonsense-mediated mRNA decay. This variant has been reported in the gnomAD browser with a very low allele frequency of 0.01% (25 out of 246,216 alleles). The c.3478C>T p.(Arg1160*) variant has been reported in several patients from India and Malta origin with the mild congenital nephrotic syndrome of Finnish type (CNF, Koziell et al 2002 Hum Mol Genet 11: 379-388; Heeringa et al 2008 Nephrol Dial Translplant 23: 3527-3533; Machuca et al 2010 J Am Soc Nephrol 21: 1209-1217; Wang et al 2016; HK J Paediatr 21: 294-297). This variant is considered to be pathogenic according to the ACMG guidelines (Evidence used: PVS1, PM2, PM3).

Yale Center for Mendelian Genomics, Yale University
Classification: Likely pathogenic for Nephrotic syndrome. Last evaluated: 2017-11-10. Review status: no assertion criteria provided. Collection method: literature only. Allele origin: germline. Affected: yes. Observed: 5 homozygotes. Study: Yale Center for Mendelian Genomics. Not counted in ClinVar's aggregate classification.

Counsyl
Classification: Pathogenic for Finnish congenital nephrotic syndrome. Last evaluated: 2014-01-02. Review status: no assertion criteria provided. Collection method: clinical testing. Allele origin: unknown. Not counted in ClinVar's aggregate classification.

OMIM
Classification: Pathogenic for NEPHROTIC SYNDROME, TYPE 1. Last evaluated: 2002-02-15. Review status: no assertion criteria provided. Collection method: literature only. Allele origin: germline. Not counted in ClinVar's aggregate classification.

Diagnostic Laboratory, Department of Genetics, University Medical Center Groningen
Classification: Pathogenic. Review status: no assertion criteria provided. Collection method: clinical testing. Allele origin: germline. Affected: yes. Study: VKGL Data-share Consensus. Not counted in ClinVar's aggregate classification.

Joint Genome Diagnostic Labs from Nijmegen and Maastricht, Radboudumc and MUMC+
Classification: Pathogenic. Review status: no assertion criteria provided. Collection method: clinical testing. Allele origin: germline. Affected: yes. Study: VKGL Data-share Consensus. Not counted in ClinVar's aggregate classification.

Literature cited by the submitters: PubMed 11317351 (cited by Labcorp Genetics (formerly Invitae), Labcorp); PubMed 11854170 (cited by 7 submitters); PubMed 12039988 (cited by Labcorp Genetics (formerly Invitae), Labcorp); PubMed 9915943 (cited by 7 submitters); PubMed 16518627 (cited by 3 submitters); PubMed 24742477 (cited by Labcorp Genetics (formerly Invitae), Labcorp and Illumina Laboratory Services, Illumina); PubMed 24902943 (cited by Labcorp Genetics (formerly Invitae), Labcorp); PubMed 25720465 (cited by Labcorp Genetics (formerly Invitae), Labcorp and Illumina Laboratory Services, Illumina); PubMed 28204945 (cited by Labcorp Genetics (formerly Invitae), Labcorp and Illumina Laboratory Services, Illumina); PubMed 19812541 (cited by Natera, Inc.); PubMed 34859019 (cited by Dasa and Ambry Genetics); PubMed 28117080 (cited by Ambry Genetics); PubMed 29127259 (cited by Ambry Genetics and Yale Center for Mendelian Genomics, Yale University); PubMed 33980730 (cited by Ambry Genetics); PubMed 35064937 (cited by Ambry Genetics); PubMed 35711925 (cited by Ambry Genetics); PubMed 35755072 (cited by Ambry Genetics); PubMed 36158155 (cited by Ambry Genetics); PubMed 36847718 (cited by Ambry Genetics); PubMed 37204080 (cited by Ambry Genetics); PubMed 22584503 (cited by Illumina Laboratory Services, Illumina and Athena Diagnostics); PubMed 20507940 (cited by Athena Diagnostics); PubMed 22565185 (cited by Athena Diagnostics and Women's Health and Genetics/Laboratory Corporation of America, LabCorp); PubMed 20172850 (cited by Athena Diagnostics and Counsyl); PubMed 18503012 (cited by Athena Diagnostics and Broad Center for Mendelian Genomics, Broad Institute of MIT and Harvard); PubMed 14570703 (cited by Athena Diagnostics and Women's Health and Genetics/Laboratory Corporation of America, LabCorp); PubMed 32860008 (cited by CENTOGENE GmbH and LLC - Guiding Precision Medicine).